The following is an entry in ClinVar:

NM_001134831.2(AHI1):c.2250_2251del (p.Cys751fs)

Gene: AHI1 (Abelson helper integration site 1; minus strand). Cytogenetic location: 6q23.3.
Variant type: Deletion.
Coding change: c.2250_2251del on transcript NM_001134831.2 (MANE Select); coding-DNA positions 2250 to 2251, 2 bases deleted (TT; older notation c.2250_2251delTT).
Protein change: p.Cys751fs; shifts the reading frame from cysteine 751.
Molecular consequence: frameshift variant.
Genome position (GRCh38, 1-based): chr6:135,433,042-135,433,043, AA deleted on the plus strand (TT on the coding strand, the reverse complement: AHI1 is on the minus strand); deleting any 2 consecutive bases within chr6:135,433,042-135,433,044 gives the same sequence; the c. name uses the placement nearest the transcript's 3' end. VCF-style (leftmost placement, unchanged base first): chr6-135433041-CAA-C. GRCh37 (hg19) VCF-style: chr6-135754179-CAA-C.
Other names: c.2250_2251del, p.Cys751fs (NM_001134832.2, NM_001350503.2, NM_001350504.2 and 2 more transcripts); short protein forms C751fs.
Identifiers: ClinVar variation 866290 (VCV000866290.7), dbSNP rs1784887448, ClinGen allele CA916082901.

ClinVar aggregate classification (germline): Pathogenic/Likely pathogenic. Review status: criteria provided, multiple submitters, no conflicts (2 of 4 stars). 2 submissions from 2 submitters: Pathogenic (1); Likely pathogenic (1). Last evaluated 2022-03-18.

Conditions:
AHI1-related disorder. Also called: AHI1-related condition.
Joubert syndrome. Also called: JOUBERT-BOLTSHAUSER SYNDROME; Familial aplasia of the vermis. Identifiers: Orphanet 475, MedGen C5979921, MONDO:0018772.

Submissions (2):

Labcorp Genetics (formerly Invitae), Labcorp
Classification: Pathogenic for Joubert syndrome. Last evaluated: 2022-03-18. Review status: criteria provided, single submitter. Criteria: Invitae Variant Classification Sherloc (09022015). Collection method: clinical testing. Allele origin: germline.
Comment: This sequence change creates a premature translational stop signal (p.Cys751Phefs*2) in the AHI1 gene. It is expected to result in an absent or disrupted protein product. Loss-of-function variants in AHI1 are known to be pathogenic (PMID: 15322546, 16453322, 28442542, 29186038). This variant is not present in population databases (gnomAD no frequency). This variant has not been reported in the literature in individuals affected with AHI1-related conditions. ClinVar contains an entry for this variant (Variation ID: 866290). For these reasons, this variant has been classified as Pathogenic.

Blueprint Genetics
Classification: Likely pathogenic for AHI1-related disorders. Last evaluated: 2019-02-05. Review status: criteria provided, single submitter. Criteria: ACMG Guidelines, 2015. Collection method: clinical testing. Allele origin: germline. Affected: yes. Observed: 2 variant alleles.

Literature cited by the submitters: PubMed 15322546 (cited by Labcorp Genetics (formerly Invitae), Labcorp); PubMed 16453322 (cited by Labcorp Genetics (formerly Invitae), Labcorp); PubMed 28442542 (cited by Labcorp Genetics (formerly Invitae), Labcorp); PubMed 29186038 (cited by Labcorp Genetics (formerly Invitae), Labcorp).